The following is an entry in ClinVar:

ClinVar aggregate classification (germline): Uncertain significance (1 of 4 stars; one submission).

Submission:

Ambry Genetics
Classification: Uncertain significance. Last evaluated: 2025-10-08. Review status: criteria provided, single submitter. Criteria: Ambry Variant Classification Scheme 2023. Collection method: clinical testing. Allele origin: germline.
Comment: The p.H487Y variant (also known as c.1459C>T), located in coding exon 15 of the KIF1B gene, results from a C to T substitution at nucleotide position 1459. The histidine at codon 487 is replaced by tyrosine, an amino acid with similar properties. This amino acid position is conserved. In addition, this alteration is predicted to be deleterious by in silico analysis. Based on the available evidence, the clinical significance of this variant remains unclear.

NM_001365951.3(KIF1B):c.1597C>T (p.His533Tyr)

Gene: KIF1B (kinesin family member 1B; plus strand). Cytogenetic location: 1p36.22.
Variant type: single nucleotide variant.
Coding change: c.1597C>T on transcript NM_001365951.3 (MANE Select); coding-DNA position 1597, C replaced by T.
Protein change: p.His533Tyr; replaces histidine 533 with tyrosine.
Molecular consequence: missense variant.
Genome position (GRCh38, 1-based): chr1:10,295,092, C>T. VCF-style: chr1-10295092-C-T. GRCh37 (hg19) VCF-style: chr1-10355150-C-T.
Other names: c.1597C>T, p.His533Tyr (NM_001365952.1); c.1459C>T, p.His487Tyr (NM_001365953.1, NM_015074.3, NM_183416.4); short protein forms H487Y, H533Y.
Identifiers: ClinVar variation 4543641 (VCV004543641.1).